The following is an entry in ClinVar:

ClinVar aggregate classification (germline): Uncertain significance (1 of 4 stars; one submission).

Conditions:
Familial cold autoinflammatory syndrome 2 (FCAS2). Identifiers: Orphanet 247868, MedGen C2673198, MONDO:0012724, OMIM 611762.

Allele frequency attached by ClinVar (database versions not stated): gnomAD exomes below 0.00001.
gnomAD v4.1: 1 of 1,614,052 alleles (0.000062%); highest among the groups gnomAD compares: African/African-American, 0.0013%; no homozygotes.

Submission:

Labcorp Genetics (formerly Invitae), Labcorp
Classification: Uncertain significance for Familial cold autoinflammatory syndrome 2. Last evaluated: 2025-10-13. Review status: criteria provided, single submitter. Criteria: Invitae Variant Classification Sherloc (09022015). Collection method: clinical testing. Allele origin: germline.
Comment: This sequence change replaces arginine, which is basic and polar, with lysine, which is basic and polar, at codon 800 of the NLRP12 protein (p.Arg800Lys). This variant is not present in population databases (gnomAD no frequency). This variant has not been reported in the literature in individuals affected with NLRP12-related conditions. ClinVar contains an entry for this variant (Variation ID: 1966687). Invitae Evidence Modeling of protein sequence and biophysical properties (such as structural, functional, and spatial information, amino acid conservation, physicochemical variation, residue mobility, and thermodynamic stability) indicates that this missense variant is not expected to disrupt NLRP12 protein function with a negative predictive value of 80%. In summary, the available evidence is currently insufficient to determine the role of this variant in disease. Therefore, it has been classified as a Variant of Uncertain Significance.

NM_144687.4(NLRP12):c.2399G>A (p.Arg800Lys)

Gene: NLRP12 (NLR family pyrin domain containing 12; minus strand). Cytogenetic location: 19q13.42.
Variant type: single nucleotide variant.
Coding change: c.2399G>A on transcript NM_144687.4 (MANE Select); coding-DNA position 2399, G replaced by A.
Protein change: p.Arg800Lys; replaces arginine 800 with lysine.
Molecular consequence: missense variant.
Genome position (GRCh38, 1-based): chr19:53,805,295, C>T on the plus strand (G>A on the coding strand, the complement: NLRP12 is on the minus strand). VCF-style: chr19-53805295-C-T. GRCh37 (hg19) VCF-style: chr19-54308549-C-T.
Other names: c.2402G>A, p.Arg801Lys (NM_001277126.2); c.2399G>A, p.Arg800Lys (NM_001277129.1); short protein forms R800K, R801K.
Identifiers: ClinVar variation 1966687 (VCV001966687.5), dbSNP rs2514288663, ClinGen allele CA407410160.